The following is an entry in ClinVar:

NM_000263.4(NAGLU):c.333_344del (p.Arg112_Pro115del)

Gene: NAGLU (N-acetyl-alpha-glucosaminidase; plus strand). Cytogenetic location: 17q21.2.
Variant type: Deletion.
Coding change: c.333_344del on transcript NM_000263.4 (MANE Select); coding-DNA positions 333 to 344, 12 bases deleted (GCGGCCACTGCC).
Protein change: p.Arg112_Pro115del.
Molecular consequence: inframe deletion.
Genome position (GRCh38, 1-based): chr17:42,536,605-42,536,616, GCGGCCACTGCC deleted; deleting any 12 consecutive bases within chr17:42,536,600-42,536,616 gives the same sequence; the c. name uses the placement nearest the transcript's 3' end. VCF-style (leftmost placement, unchanged base first): chr17-42536599-CCTGCCGCGGCCA-C. GRCh37 (hg19) VCF-style: chr17-40688617-CCTGCCGCGGCCA-C.
Identifiers: ClinVar variation 2949336 (VCV002949336.3), dbSNP rs2510650548, ClinGen allele CA2740095358.

ClinVar aggregate classification (germline): Pathogenic (1 of 4 stars; one submission).

Conditions:
Charcot-Marie-Tooth disease axonal type 2V. Also called: CHARCOT-MARIE-TOOTH NEUROPATHY, TYPE 2V; CHARCOT-MARIE-TOOTH DISEASE, AXONAL, AUTOSOMAL DOMINANT, TYPE 2V. Identifiers: Orphanet 447964, MedGen C5569050, MONDO:0014665, OMIM 616491.
Mucopolysaccharidosis, MPS-III-B (MPS3B). Also called: N-ACETYL-ALPHA-D-GLUCOSAMINIDASE DEFICIENCY; NAGLU DEFICIENCY; SANFILIPPO SYNDROME B; MPS III B; Mucopolysaccharidosis type IIIB (Sanfilippo B); MUCOPOLYSACCHARIDOSIS, TYPE IIIB. Identifiers: Orphanet 79270, MedGen C0086648, MONDO:0009656, OMIM 252920.

Submission:

Labcorp Genetics (formerly Invitae), Labcorp
Classification: Pathogenic for Charcot-Marie-Tooth disease axonal type 2V; Mucopolysaccharidosis, MPS-III-B. Last evaluated: 2023-07-04. Review status: criteria provided, single submitter. Criteria: Invitae Variant Classification Sherloc (09022015). Collection method: clinical testing. Allele origin: germline.
Comment: This variant disrupts a region of the NAGLU protein in which other variant(s) (p.Pro115Ser) have been determined to be pathogenic (PMID: 9443878, 27590925). This suggests that this is a clinically significant region of the protein, and that variants that disrupt it are likely to be disease-causing. This variant has not been reported in the literature in individuals affected with NAGLU-related conditions. This variant is not present in population databases (gnomAD no frequency). This variant, c.333_344del, results in the deletion of 4 amino acid(s) of the NAGLU protein (p.Arg112_Pro115del), but otherwise preserves the integrity of the reading frame. For these reasons, this variant has been classified as Pathogenic.

Literature cited by the submitters: PubMed 9443878; PubMed 27590925.